The following is an entry in ClinVar:

ClinVar aggregate classification (germline): Uncertain significance (1 of 4 stars; one submission).

gnomAD v4.1: 3 of 1,614,116 alleles (0.00019%); highest among the groups gnomAD compares: East Asian, 0.0022%; no homozygotes.

Submission:

Women's Health and Genetics/Laboratory Corporation of America, LabCorp
Classification: Uncertain significance. Last evaluated: 2025-04-18. Review status: criteria provided, single submitter. Criteria: LabCorp Variant Classification Summary - May 2015. Collection method: clinical testing. Allele origin: germline.
Comment: Variant summary: CTSC c.1016G>A (p.Arg339His) results in a non-conservative amino acid change in the encoded protein sequence. Three of five in-silico tools predict a benign effect of the variant on protein function. The variant allele was found at a frequency of 8e-06 in 251202 control chromosomes. The available data on variant occurrences in the general population are insufficient to allow any conclusion about variant significance. To our knowledge, no occurrence of c.1016G>A in individuals affected with Papillon-Lefevre syndrome and no experimental evidence demonstrating its impact on protein function have been reported. No submitters have cited clinical-significance assessments for this variant to ClinVar. Based on the evidence outlined above, the variant was classified as uncertain significance.

NM_001814.6(CTSC):c.1016G>A (p.Arg339His)

Gene: CTSC (cathepsin C; minus strand). Cytogenetic location: 11q14.2.
Variant type: single nucleotide variant.
Coding change: c.1016G>A on transcript NM_001814.6 (MANE Select); coding-DNA position 1016, G replaced by A.
Protein change: p.Arg339His; replaces arginine 339 with histidine.
Molecular consequence: missense variant.
Genome position (GRCh38, 1-based): chr11:88,294,382, C>T on the plus strand (G>A on the coding strand, the complement: CTSC is on the minus strand). VCF-style: chr11-88294382-C-T. GRCh37 (hg19) VCF-style: chr11-88027550-C-T.
Other names: short protein forms R339H.
Identifiers: ClinVar variation 3896179 (VCV003896179.2).